The following is an entry in ClinVar:

ClinVar aggregate classification (germline): Uncertain significance (1 of 4 stars; one submission).

gnomAD v4.1: 1 of 1,614,120 alleles (0.000062%); highest among the groups gnomAD compares: African/African-American, 0.0013%; no homozygotes.

Submission:

GeneDx
Classification: Uncertain significance. Last evaluated: 2019-10-02. Review status: criteria provided, single submitter. Criteria: GeneDx Variant Classification Process June 2021. Collection method: clinical testing. Allele origin: germline. Affected: yes.
Comment: Not observed in large population cohorts (Lek et al., 2016); In silico analysis, which includes protein predictors and evolutionary conservation, supports a deleterious effect; Has not been previously published as pathogenic or benign to our knowledge

NM_000092.5(COL4A4):c.4415G>A (p.Ser1472Asn)

Gene: COL4A4 (collagen type IV alpha 4 chain; minus strand). Cytogenetic location: 2q36.3.
Variant type: single nucleotide variant.
Coding change: c.4415G>A on transcript NM_000092.5 (MANE Select); coding-DNA position 4415, G replaced by A.
Protein change: p.Ser1472Asn; replaces serine 1472 with asparagine.
Molecular consequence: missense variant.
Genome position (GRCh38, 1-based): chr2:227,010,420, C>T on the plus strand (G>A on the coding strand, the complement: COL4A4 is on the minus strand). VCF-style: chr2-227010420-C-T. GRCh37 (hg19) VCF-style: chr2-227875136-C-T.
Other names: short protein forms S1472N.
Identifiers: ClinVar variation 1308737 (VCV001308737.2), dbSNP rs2149744588, ClinGen allele CA350836201.
Genomic context (GRCh38, chr2:227,010,420, plus strand): 5'-CTATACCCAGTCCAGAGCCTGGGCATGCCCAGGGGGCAGGTGGGCTCCTGGTCCGTCTGA[C>T]TGTGGAGAACCAGGAGGAAGCCACCGAGGTATCCAGGGCCAAACCCTTTGGGCCCAGGAT-3'
Protein context (NP_000083.3, residues 1462-1482): YLGGFLLVLH[Ser1472Asn]QTDQEPTCPL